The following is an entry in ClinVar:

NM_001243279.3(ACSF3):c.1401G>A (p.Trp467Ter)

Gene: ACSF3 (acyl-CoA synthetase family member 3; plus strand). Cytogenetic location: 16q24.3.
Variant type: single nucleotide variant.
Coding change: c.1401G>A on transcript NM_001243279.3 (MANE Select); coding-DNA position 1401, G replaced by A.
Protein change: p.Trp467Ter; replaces tryptophan 467 with a stop codon.
Molecular consequence: nonsense. On other transcripts: non-coding transcript variant (4).
Genome position (GRCh38, 1-based): chr16:89,145,301, G>A. VCF-style: chr16-89145301-G-A. GRCh37 (hg19) VCF-style: chr16-89211709-G-A.
Other names: c.1401G>A, p.Trp467Ter (NM_001127214.4, NM_174917.5); c.606G>A, p.Trp202Ter (NM_001284316.2); short protein forms W467*, W202*.
Identifiers: ClinVar variation 1029287 (VCV001029287.6), dbSNP rs1912700120, ClinGen allele CA397148067.

ClinVar aggregate classification (germline): Pathogenic/Likely pathogenic. Review status: criteria provided, multiple submitters, no conflicts (2 of 4 stars). 3 submissions from 3 submitters: Pathogenic (2); Likely pathogenic (1). Last evaluated 2024-03-24.

Conditions:
Combined malonic and methylmalonic acidemia. Identifiers: Orphanet 289504, MedGen C3280314, MONDO:0013661, OMIM 614265.

gnomAD v4.1: 7 of 1,614,130 alleles (0.00043%); highest among the groups gnomAD compares: Non-Finnish European, 0.00059%; no homozygotes.

Submissions (3):

Fulgent Genetics
Classification: Likely pathogenic for Combined malonic and methylmalonic acidemia. Last evaluated: 2024-03-24. Review status: criteria provided, single submitter. Criteria: ACMG Guidelines, 2015. Collection method: clinical testing. Allele origin: germline.

Labcorp Genetics (formerly Invitae), Labcorp
Classification: Pathogenic for Combined malonic and methylmalonic acidemia. Last evaluated: 2022-07-02. Review status: criteria provided, single submitter. Criteria: Invitae Variant Classification Sherloc (09022015). Collection method: clinical testing. Allele origin: germline.
Comment: This variant has not been reported in the literature in individuals affected with ACSF3-related conditions. This variant is not present in population databases (gnomAD no frequency). This sequence change creates a premature translational stop signal (p.Trp467*) in the ACSF3 gene. It is expected to result in an absent or disrupted protein product. Loss-of-function variants in ACSF3 are known to be pathogenic (PMID: 21841779, 26827111). ClinVar contains an entry for this variant (Variation ID: 1029287). For these reasons, this variant has been classified as Pathogenic.

Baylor Genetics
Classification: Pathogenic for Combined malonic and methylmalonic acidemia. Last evaluated: 2019-02-15. Review status: criteria provided, single submitter. Criteria: ACMG Guidelines, 2015. Collection method: clinical testing. Allele origin: paternal. Affected: yes.
Comment: This variant was determined to be pathogenic according to ACMG Guidelines, 2015 [PMID:25741868].

Literature cited by the submitters: PubMed 21841779 (cited by Labcorp Genetics (formerly Invitae), Labcorp); PubMed 26827111 (cited by Labcorp Genetics (formerly Invitae), Labcorp).